The following is an entry in ClinVar:

ClinVar aggregate classification (germline): Conflicting classifications of pathogenicity. Review status: criteria provided, conflicting classifications (1 of 4 stars). 2 submissions from 2 submitters: Likely pathogenic (1); Uncertain significance (1). Last evaluated 2021-06-15.

Conditions:
Arginase deficiency. Also called: ARG1 DEFICIENCY; Arginase 1 Deficiency; ARGININEMIA. Identifiers: Orphanet 90, MedGen C0268548, MONDO:0008814, OMIM 207800.

Submissions (2):

Labcorp Genetics (formerly Invitae), Labcorp
Classification: Uncertain significance for Arginase deficiency. Last evaluated: 2021-06-15. Review status: criteria provided, single submitter. Criteria: Invitae Variant Classification Sherloc (09022015). Collection method: clinical testing. Allele origin: germline.
Comment: In summary, the available evidence is currently insufficient to determine the role of this variant in disease. Therefore, it has been classified as a Variant of Uncertain Significance. Algorithms developed to predict the effect of missense changes on protein structure and function are either unavailable or do not agree on the potential impact of this missense change (SIFT: "Deleterious"; PolyPhen-2: "Probably Damaging"; Align-GVGD: "Class C15"). This variant has been observed in individual(s) with hyperargininemia (PMID: 27898091). ClinVar contains an entry for this variant (Variation ID: 427087). This variant is not present in population databases (ExAC no frequency). This sequence change replaces aspartic acid with asparagine at codon 237 of the ARG1 protein (p.Asp237Asn). The aspartic acid residue is highly conserved and there is a small physicochemical difference between aspartic acid and asparagine.

GeneDx
Classification: Likely pathogenic. Last evaluated: 2015-06-17. Review status: criteria provided, single submitter. Criteria: GeneDx Variant Classification (06012015). Collection method: clinical testing. Allele origin: germline. Affected: yes.
Comment: The D237N variant is a semi-conservative amino acid substitution, which may impact secondary protein structure as these residues differ in some properties. This substitution occurs at a position that is conserved across species. In silico analysis predicts this variant is probably damaging to the protein structure/function. Furthermore, missense variants in nearby residues (D234H, G235R, L236P) have been reported in the Human Gene Mutation Database in association with arginase deficiency (Stenson et al., 2014), supporting the functional importance of this region of the protein. Therefore, the D237N variant is a strong candidate for a pathogenic variant, however the possibility that it is a benign variant cannot be excluded.

Literature cited by the submitters: PubMed 27898091 (cited by Labcorp Genetics (formerly Invitae), Labcorp).

NM_000045.4(ARG1):c.709G>A (p.Asp237Asn)

Genes: ARG1 (arginase 1; plus strand), MED23 (mediator complex subunit 23; minus strand). Cytogenetic location: 6q23.2.
Variant type: single nucleotide variant.
Coding change: c.709G>A on transcript NM_000045.4 (MANE Select); coding-DNA position 709, G replaced by A.
Protein change: p.Asp237Asn; replaces aspartic acid 237 with asparagine.
Molecular consequence: missense variant. On other transcripts: non-coding transcript variant (1), intron variant (2).
Genome position (GRCh38, 1-based): chr6:131,583,398, G>A. VCF-style: chr6-131583398-G-A. GRCh37 (hg19) VCF-style: chr6-131904538-G-A.
Other names: c.733G>A, p.Asp245Asn (NM_001244438.2); c.454G>A, p.Asp152Asn (NM_001369020.1); c.4077+4311C>T (NM_001270521.2); c.4095+4311C>T (NM_015979.4); short protein forms D237N, D152N, D245N.
Identifiers: ClinVar variation 427087 (VCV000427087.11), dbSNP rs764273304, ClinGen allele CA365652594.